The following is an entry in ClinVar:

NM_015662.3(IFT172):c.4755+11del

Genes: IFT172 (intraflagellar transport 172; minus strand), KRTCAP3 (keratinocyte associated protein 3; plus strand). Cytogenetic location: 2p23.3.
Variant type: Deletion.
Coding change: c.4755+11del on transcript NM_015662.3 (MANE Select); 11 bases into the intron after coding-DNA position 4755, one base deleted (A; older notation c.4755+11delA).
Molecular consequence: intron variant.
Genome position (GRCh38, 1-based): chr2:27,446,249, T deleted on the plus strand (A on the coding strand, the reverse complement: IFT172 is on the minus strand). VCF-style (leftmost placement, unchanged base first): chr2-27446248-GT-G. GRCh37 (hg19) VCF-style: chr2-27669115-GT-G.
Other names: c.*6-52del (NM_001168364.2); c.4689+11del (NM_001410739.1).
Identifiers: ClinVar variation 1561570 (VCV001561570.10), dbSNP rs775669156, ClinGen allele CA1579503.

ClinVar aggregate classification (germline): Likely benign. Review status: criteria provided, single submitter (1 of 4 stars). 2 submissions from 2 submitters: Likely benign (1). 1 of the submissions does not count toward it. Last evaluated 2025-06-12.

Conditions:
Short-rib thoracic dysplasia 10 with or without polydactyly (SRTD10). Identifiers: Orphanet 474, MedGen C3810175, MONDO:0014284, OMIM 615630.
Retinitis pigmentosa 71 (RP71). Identifiers: Orphanet 791, MedGen C4225342, MONDO:0014618, OMIM 616394.
IFT172-related disorder. Also called: IFT172-related condition; IFT172-related disorders.

Allele frequency attached by ClinVar (database versions not stated): gnomAD exomes below 0.00001 and 0.00001; TOPMed 0.00002; gnomAD 0.00003 and 0.00004; ESP Exome Variant Server 0.00008; ExAC 0.00002.

Submissions (2):

Labcorp Genetics (formerly Invitae), Labcorp
Classification: Likely benign for Retinitis pigmentosa 71; Short-rib thoracic dysplasia 10 with or without polydactyly. Last evaluated: 2025-06-12. Review status: criteria provided, single submitter. Criteria: Invitae Variant Classification Sherloc (09022015). Collection method: clinical testing. Allele origin: germline.

PreventionGenetics, part of Exact Sciences
Classification: Likely benign for IFT172-related condition. Last evaluated: 2020-12-22. Review status: no assertion criteria provided. Collection method: clinical testing. Allele origin: germline. Not counted in ClinVar's aggregate classification.
Comment: This variant is classified as likely benign based on ACMG/AMP sequence variant interpretation guidelines (Richards et al. 2015 PMID: 25741868, with internal and published modifications).